The following is an entry in ClinVar:

NM_000256.3(MYBPC3):c.1024G>A (p.Val342Ile)

Gene: MYBPC3 (myosin binding protein C3; minus strand). Cytogenetic location: 11p11.2.
Variant type: single nucleotide variant.
Coding change: c.1024G>A on transcript NM_000256.3 (MANE Select); coding-DNA position 1024, G replaced by A.
Protein change: p.Val342Ile; replaces valine 342 with isoleucine.
Molecular consequence: missense variant.
Genome position (GRCh38, 1-based): chr11:47,346,273, C>T on the plus strand (G>A on the coding strand, the complement: MYBPC3 is on the minus strand). VCF-style: chr11-47346273-C-T. GRCh37 (hg19) VCF-style: chr11-47367824-C-T.
Other names: short protein forms V342I.
Identifiers: ClinVar variation 42500 (VCV000042500.15), dbSNP rs397515882, ClinGen allele CA009698.

ClinVar aggregate classification (germline): Conflicting classifications of pathogenicity. Review status: criteria provided, conflicting classifications (1 of 4 stars). 3 submissions from 3 submitters: Uncertain significance (2); Likely benign (1). Last evaluated 2025-02-16.

Conditions:
Cardiomyopathy (CMYO). Also called: Cardiomyopathies. Identifiers: Orphanet 167848, MedGen C0878544, MONDO:0004994, HP:0001638. Inheritance: Various modes of inheritance.
Hypertrophic cardiomyopathy. Also called: HYPERTROPHIC MYOCARDIOPATHY. Identifiers: Orphanet 217569, MedGen C0007194, MeSH D002312, MONDO:0005045, HP:0001639.

Allele frequency attached by ClinVar (database versions not stated): gnomAD 0.00001; gnomAD exomes 0.00001; TOPMed 0.00001; ExAC 0.00001.

Submissions (3):

Labcorp Genetics (formerly Invitae), Labcorp
Classification: Uncertain significance for Hypertrophic cardiomyopathy. Last evaluated: 2025-02-16. Review status: criteria provided, single submitter. Criteria: Invitae Variant Classification Sherloc (09022015). Collection method: clinical testing. Allele origin: germline.
Comment: This sequence change replaces valine, which is neutral and non-polar, with isoleucine, which is neutral and non-polar, at codon 342 of the MYBPC3 protein (p.Val342Ile). This variant is present in population databases (rs397515882, gnomAD 0.003%). This missense change has been observed in individual(s) with hypertrophic cardiomyopathy (PMID: 25611685). ClinVar contains an entry for this variant (Variation ID: 42500). An algorithm developed to predict the effect of missense changes on protein structure and function outputs the following: PolyPhen-2: "Benign". The isoleucine amino acid residue is found in multiple mammalian species, which suggests that this missense change does not adversely affect protein function. In summary, the available evidence is currently insufficient to determine the role of this variant in disease. Therefore, it has been classified as a Variant of Uncertain Significance.

Color Diagnostics, LLC DBA Color Health
Classification: Uncertain significance for Cardiomyopathy. Last evaluated: 2022-12-05. Review status: criteria provided, single submitter. Criteria: ACMG Guidelines, 2015. Collection method: clinical testing. Allele origin: germline.
Comment: This missense variant replaces valine with isoleucine at codon 342 of the MYBPC3 protein. Computational prediction suggests that this variant may not impact protein structure and function (internally defined REVEL score threshold <= 0.5, PMID: 27666373). To our knowledge, functional studies have not been reported for this variant. This variant has been reported in an individual affected with hypertrophic cardiomyopathy (PMID: 25611685). This variant has been identified in 3/248712 chromosomes in the general population by the Genome Aggregation Database (gnomAD). The available evidence is insufficient to determine the role of this variant in disease conclusively. Therefore, this variant is classified as a Variant of Uncertain Significance.

Laboratory for Molecular Medicine, Mass General Brigham Personalized Medicine
Classification: Likely benign. Last evaluated: 2012-08-10. Review status: criteria provided, single submitter. Criteria: LMM Criteria. Collection method: clinical testing. Allele origin: germline. Observed: 3 variant alleles.
Comment: Val342Ile in exon 12 of MYBPC3: This variant is not expected to have clinical si gnificance due to a lack of conservation across species, including several mamma ls and evolutionarily distant species that carry an isoleucine (Ile; this varian t) at this position despite high nearby amino acid conservation. In addition, co mputational analyses (AlignGVGD, PolyPhen2, SIFT) do not suggest a high likeliho od of impact to the protein.

Literature cited by the submitters: PubMed 25611685 (cited by Labcorp Genetics (formerly Invitae), Labcorp and Color Diagnostics, LLC DBA Color Health).